The following is an entry in ClinVar:

ClinVar aggregate classification (germline): Uncertain significance. Review status: criteria provided, multiple submitters, no conflicts (2 of 4 stars). 2 submissions from 2 submitters: Uncertain significance (2). Last evaluated 2023-01-03.

Conditions:
PALLD-related disorder. Also called: PALLD-related condition.

Allele frequency attached by ClinVar (database versions not stated): gnomAD exomes below 0.00001.
gnomAD v4.1: 5 of 1,613,906 alleles (0.00031%); highest among the groups gnomAD compares: South Asian, 0.0055%; no homozygotes.

Submissions (2):

PreventionGenetics, part of Exact Sciences
Classification: Uncertain significance for PALLD-related condition. Last evaluated: 2023-01-03. Review status: criteria provided, single submitter. Criteria: ACMG Guidelines, 2015. Collection method: clinical testing. Allele origin: germline.
Comment: The PALLD c.862G>A variant is predicted to result in the amino acid substitution p.Val288Ile. To our knowledge, this variant has not been reported in the literature. This variant is reported in 0.0033% of alleles in individuals of South Asian descent in gnomAD. In ClinVar, this variant is interpreted as uncertain. At this time, the clinical significance of this variant is uncertain due to the absence of conclusive functional and genetic evidence.

Ambry Genetics
Classification: Uncertain significance. Last evaluated: 2022-09-20. Review status: criteria provided, single submitter. Criteria: Ambry Variant Classification Scheme 2023. Collection method: clinical testing. Allele origin: germline.
Comment: The p.V288I variant (also known as c.862G>A), located in coding exon 1 of the PALLD gene, results from a G to A substitution at nucleotide position 862. The valine at codon 288 is replaced by isoleucine, an amino acid with highly similar properties. This amino acid position is conserved. In addition, this alteration is predicted to be tolerated by in silico analysis. Since supporting evidence is limited at this time, the clinical significance of this alteration remains unclear.

NM_001166108.2(PALLD):c.862G>A (p.Val288Ile)

Gene: PALLD (palladin, cytoskeletal associated protein; plus strand). Cytogenetic location: 4q32.3.
Variant type: single nucleotide variant.
Coding change: c.862G>A on transcript NM_001166108.2 (MANE Select); coding-DNA position 862, G replaced by A.
Protein change: p.Val288Ile; replaces valine 288 with isoleucine.
Molecular consequence: missense variant.
Genome position (GRCh38, 1-based): chr4:168,512,366, G>A. VCF-style: chr4-168512366-G-A. GRCh37 (hg19) VCF-style: chr4-169433517-G-A.
Other names: c.862G>A, p.Val288Ile (NM_016081.4); short protein forms V288I.
Identifiers: ClinVar variation 1764099 (VCV001764099.3), dbSNP rs1247208951, ClinGen allele CA358728534.